The following is an entry in ClinVar:

ClinVar aggregate classification (germline): Uncertain significance (1 of 4 stars; one submission).

Conditions:
Nemaline myopathy 6 (NEM6). Also called: Nemaline myopathy 6, autosomal dominant. Identifiers: Orphanet 171439, MedGen C1836472, MONDO:0012237, OMIM 609273.

gnomAD v4.1: 1 of 1,415,984 alleles (0.000071%); highest among the groups gnomAD compares: Admixed American, 0.003%; no homozygotes.

Submission:

Labcorp Genetics (formerly Invitae), Labcorp
Classification: Uncertain significance for Nemaline myopathy 6. Last evaluated: 2023-10-22. Review status: criteria provided, single submitter. Criteria: Invitae Variant Classification Sherloc (09022015). Collection method: clinical testing. Allele origin: germline.
Comment: This sequence change replaces alanine, which is neutral and non-polar, with aspartic acid, which is acidic and polar, at codon 145 of the KBTBD13 protein (p.Ala145Asp). This variant is not present in population databases (gnomAD no frequency). This variant has not been reported in the literature in individuals affected with KBTBD13-related conditions. ClinVar contains an entry for this variant (Variation ID: 2012923). Advanced modeling of protein sequence and biophysical properties (such as structural, functional, and spatial information, amino acid conservation, physicochemical variation, residue mobility, and thermodynamic stability) performed at Invitae indicates that this missense variant is not expected to disrupt KBTBD13 protein function. In summary, the available evidence is currently insufficient to determine the role of this variant in disease. Therefore, it has been classified as a Variant of Uncertain Significance.

NM_001101362.3(KBTBD13):c.434C>A (p.Ala145Asp)

Gene: KBTBD13 (kelch repeat and BTB domain containing 13; plus strand). Cytogenetic location: 15q22.31.
Variant type: single nucleotide variant.
Coding change: c.434C>A on transcript NM_001101362.3 (MANE Select); coding-DNA position 434, C replaced by A.
Protein change: p.Ala145Asp; replaces alanine 145 with aspartic acid.
Molecular consequence: missense variant.
Genome position (GRCh38, 1-based): chr15:65,077,249, C>A. VCF-style: chr15-65077249-C-A. GRCh37 (hg19) VCF-style: chr15-65369587-C-A.
Other names: short protein forms A145D.
Identifiers: ClinVar variation 2012923 (VCV002012923.4), dbSNP rs1205418680, ClinGen allele CA392860724.